The following is an entry in ClinVar:

ClinVar aggregate classification (germline): Uncertain significance. Review status: criteria provided, multiple submitters, no conflicts (2 of 4 stars). 2 submissions from 2 submitters: Uncertain significance (2). Last evaluated 2024-10-27.

Conditions:
Alstrom syndrome (ALMS). Identifiers: Orphanet 64, MedGen C0268425, MONDO:0008763, OMIM 203800.

gnomAD v4.1: 4 of 1,613,696 alleles (0.00025%); highest among the groups gnomAD compares: South Asian, 0.0033%; no homozygotes.

Submissions (2):

Labcorp Genetics (formerly Invitae), Labcorp
Classification: Uncertain significance for Alstrom syndrome. Last evaluated: 2024-10-27. Review status: criteria provided, single submitter. Criteria: Invitae Variant Classification Sherloc (09022015). Collection method: clinical testing. Allele origin: germline.
Comment: This sequence change replaces proline, which is neutral and non-polar, with leucine, which is neutral and non-polar, at codon 214 of the ALMS1 protein (p.Pro214Leu). This variant is present in population databases (rs776244650, gnomAD 0.0009%). This variant has not been reported in the literature in individuals affected with ALMS1-related conditions. Experimental studies and prediction algorithms are not available or were not evaluated, and the functional significance of this variant is currently unknown. In summary, the available evidence is currently insufficient to determine the role of this variant in disease. Therefore, it has been classified as a Variant of Uncertain Significance.

Blueprint Genetics
Classification: Uncertain significance. Last evaluated: 2018-10-19. Review status: criteria provided, single submitter. Criteria: ACMG Guidelines, 2015. Collection method: clinical testing. Allele origin: germline.

NM_001378454.1(ALMS1):c.638C>T (p.Pro213Leu)

Gene: ALMS1 (ALMS1 centrosome and basal body associated protein; plus strand). Cytogenetic location: 2p13.1.
Variant type: single nucleotide variant.
Coding change: c.638C>T on transcript NM_001378454.1 (MANE Select); coding-DNA position 638, C replaced by T.
Protein change: p.Pro213Leu; replaces proline 213 with leucine.
Molecular consequence: missense variant.
Genome position (GRCh38, 1-based): chr2:73,419,310, C>T. VCF-style: chr2-73419310-C-T. GRCh37 (hg19) VCF-style: chr2-73646438-C-T.
Other names: c.641C>T, p.Pro214Leu (NM_015120.4); short protein forms P213L, P214L.
Identifiers: ClinVar variation 3692027 (VCV003692027.3).